The following is an entry in ClinVar:

ClinVar aggregate classification (germline): Uncertain significance (1 of 4 stars; one submission).

Conditions:
Epidermolysis bullosa simplex 3, localized or generalized intermediate, with BP230 deficiency (EBS3). Also called: Epidermolysis bullosa simplex, autosomal recessive 2; Epidermolysis bullosa simplex due to BP230 deficiency. Identifiers: Orphanet 412181, MedGen C3809470, MONDO:0014180, OMIM 615425.
Hereditary sensory and autonomic neuropathy type 6. Also called: Neuropathy, hereditary sensory and autonomic, type VI; HSAN VI. Identifiers: Orphanet 314381, MedGen C3539003, MONDO:0013839, OMIM 614653.

Submission:

Labcorp Genetics (formerly Invitae), Labcorp
Classification: Uncertain significance for Epidermolysis bullosa simplex 3, localized or generalized intermediate, with BP230 deficiency; Hereditary sensory and autonomic neuropathy type 6. Last evaluated: 2021-09-22. Review status: criteria provided, single submitter. Criteria: Invitae Variant Classification Sherloc (09022015). Collection method: clinical testing. Allele origin: germline.
Comment: In summary, the available evidence is currently insufficient to determine the role of this variant in disease. Therefore, it has been classified as a Variant of Uncertain Significance. Experimental studies and prediction algorithms are not available or were not evaluated, and the functional significance of this variant is currently unknown. This variant has not been reported in the literature in individuals affected with DST-related conditions. This variant is not present in population databases (ExAC no frequency). This sequence change replaces lysine with glutamic acid at codon 4854 of the DST protein (p.Lys4854Glu). The DST gene has multiple clinically relevant transcripts. This variant occurs in alternate transcript NM_015548.4, and corresponds to NM_001723.5:c.*145342A>G in the primary transcript.

NM_001374736.1(DST):c.22429A>G (p.Lys7477Glu)

Gene: DST (dystonin; minus strand). Cytogenetic location: 6p12.1.
Variant type: single nucleotide variant.
Coding change: c.22429A>G on transcript NM_001374736.1 (MANE Select); coding-DNA position 22429, A replaced by G.
Protein change: p.Lys7477Glu; replaces lysine 7477 with glutamic acid.
Molecular consequence: missense variant.
Genome position (GRCh38, 1-based): chr6:56,470,175, T>C on the plus strand (A>G on the coding strand, the complement: DST is on the minus strand). VCF-style: chr6-56470175-T-C. GRCh37 (hg19) VCF-style: chr6-56334973-T-C.
Other names: c.16072A>G, p.Lys5358Glu (NM_001144769.5); c.15658A>G, p.Lys5220Glu (NM_001144770.2); c.22429A>G, p.Lys7477Glu (NM_001374722.1); c.21469A>G, p.Lys7157Glu (NM_001374729.1); c.15211A>G, p.Lys5071Glu (NM_001374730.1); c.22456A>G, p.Lys7486Glu (NM_001374734.1); c.15538A>G, p.Lys5180Glu (NM_001386100.1, NM_183380.4); c.14560A>G, p.Lys4854Glu (NM_015548.5); short protein forms K5071E, K5220E, K7157E, K4854E, K5180E, K7486E, K5358E, K7477E.
Identifiers: ClinVar variation 1492170 (VCV001492170.6), dbSNP rs2152394751, ClinGen allele CA364506925.